The following is an entry in ClinVar:

ClinVar aggregate classification (germline): Conflicting classifications of pathogenicity. Review status: criteria provided, conflicting classifications (1 of 4 stars). 4 submissions from 4 submitters: Uncertain significance (3); Likely benign (1). Last evaluated 2025-05-13.

Conditions:
Catecholaminergic polymorphic ventricular tachycardia (CVPT). Also called: Catecholamine-induced polymorphic ventricular tachycardia. Identifiers: Orphanet 3286, MedGen C5574922, MONDO:0017990.
Catecholaminergic polymorphic ventricular tachycardia 1. Also called: VENTRICULAR TACHYCARDIA, CATECHOLAMINERGIC POLYMORPHIC, 1, WITH OR WITHOUT ATRIAL DYSFUNCTION AND/OR DILATED CARDIOMYOPATHY; VENTRICULAR TACHYCARDIA, STRESS-INDUCED POLYMORPHIC 1; RYR2-Related Catecholaminergic Polymorphic Ventricular Tachycardia. Identifiers: Orphanet 3286, MedGen C1631597, MONDO:0011484, OMIM 604772.
Cardiomyopathy (CMYO). Also called: Cardiomyopathies. Identifiers: Orphanet 167848, MedGen C0878544, MONDO:0004994, HP:0001638. Inheritance: Various modes of inheritance.

Allele frequency attached by ClinVar (database versions not stated): gnomAD exomes below 0.00001 and 0.00001; TOPMed 0.00001; gnomAD 0.00002.
gnomAD v4.1: 11 of 1,613,580 alleles (0.00068%); highest among the groups gnomAD compares: East Asian, 0.0022%; no homozygotes.

Submissions (4):

Color Diagnostics, LLC DBA Color Health
Classification: Uncertain significance for Cardiomyopathy. Last evaluated: 2025-05-13. Review status: criteria provided, single submitter. Criteria: ACMG Guidelines, 2015. Collection method: clinical testing. Allele origin: germline.
Comment: This missense variant replaces arginine with histidine at codon 2028 of the RYR2 protein. Computational prediction tool is inconclusive regarding the impact of this variant on protein structure and function. To our knowledge, functional studies have not been reported for this variant. This variant has been reported in an individual affected with catecholaminergic polymorphic ventricular tachycardia (PMID: 30403697). This variant has been identified in 1/249172 chromosomes in the general population by the Genome Aggregation Database (gnomAD). The available evidence is insufficient to determine the role of this variant in disease conclusively. Therefore, this variant is classified as a Variant of Uncertain Significance.

Labcorp Genetics (formerly Invitae), Labcorp
Classification: Likely benign for Catecholaminergic polymorphic ventricular tachycardia 1. Last evaluated: 2023-09-28. Review status: criteria provided, single submitter. Criteria: Invitae Variant Classification Sherloc (09022015). Collection method: clinical testing. Allele origin: germline.

All of Us Research Program, National Institutes of Health
Classification: Uncertain significance for Catecholaminergic polymorphic ventricular tachycardia. Last evaluated: 2023-05-16. Review status: criteria provided, single submitter. Criteria: ACMG Guidelines, 2015. Collection method: clinical testing. Allele origin: germline. Inheritance: Autosomal dominant inheritance. Observed: 5 variant alleles, 5 heterozygotes.
Comment: This missense variant replaces arginine with histidine at codon 2028 of the RYR2 protein. Computational prediction tools and conservation analyses are inconclusive regarding the impact of this variant on the protein function. Computational splicing tools suggest that this variant may not impact RNA splicing. This variant has been reported in compound heterozygosity with p.Tyr4721Cys in an individual affected with catecholaminergic polymorphic ventricular tachycardia (PMID: 30403697). A structural mapping study using 3D model has suggested that this variant may not adversely impact the RYR2 channel function, while p.Tyr4721Cys may have a deleterious impact (PMID: 30403697). To our knowledge, functional assays have not been performed for either variant. This variant has been identified in 1/249172 chromosomes in the general population by the Genome Aggregation Database (gnomAD). Available evidence is insufficient to determine the role of this variant in disease conclusively. Therefore, this variant is classified as a Variant of Uncertain Significance.

This study involves interpretation of variants in research participants for the purpose of population health screening. Participant phenotype was not available at the time of variant classification. Additional details can be found in publication PMID: 35346344, PMCID: PMC8962531

Human Genome Sequencing Center Clinical Lab, Baylor College of Medicine
Classification: Uncertain significance for Catecholaminergic polymorphic ventricular tachycardia 1. Review status: criteria provided, single submitter. Criteria: ACMG Guidelines, 2015. Collection method: clinical testing. Allele origin: germline.

Literature cited by the submitters: PubMed 30403697 (cited by Color Diagnostics, LLC DBA Color Health and All of Us Research Program, National Institutes of Health).

NM_001035.3(RYR2):c.6083G>A (p.Arg2028His)

Gene: RYR2 (ryanodine receptor 2; plus strand). Cytogenetic location: 1q43.
Variant type: single nucleotide variant.
Coding change: c.6083G>A on transcript NM_001035.3 (MANE Select); coding-DNA position 6083, G replaced by A.
Protein change: p.Arg2028His; replaces arginine 2028 with histidine.
Molecular consequence: missense variant.
Genome position (GRCh38, 1-based): chr1:237,625,721, G>A. VCF-style: chr1-237625721-G-A. GRCh37 (hg19) VCF-style: chr1-237789021-G-A.
Other names: short protein forms R2028H.
Identifiers: ClinVar variation 979110 (VCV000979110.6), dbSNP rs1313042151, ClinGen allele CA345408912.